The following is an entry in ClinVar:

ClinVar aggregate classification (germline): Uncertain significance (1 of 4 stars; one submission).

Allele frequency attached by ClinVar (database versions not stated): gnomAD exomes 0.00001; ExAC 0.00002; gnomAD 0.00002; TOPMed 0.00002.
gnomAD v4.1: 7 of 1,613,744 alleles (0.00043%); highest among the groups gnomAD compares: African/African-American, 0.0093%; no homozygotes.

Submission:

Labcorp Genetics (formerly Invitae), Labcorp
Classification: Uncertain significance. Last evaluated: 2023-09-28. Review status: criteria provided, single submitter. Criteria: Invitae Variant Classification Sherloc (09022015). Collection method: clinical testing. Allele origin: germline.
Comment: In summary, the available evidence is currently insufficient to determine the role of this variant in disease. Therefore, it has been classified as a Variant of Uncertain Significance. Algorithms developed to predict the effect of sequence changes on RNA splicing suggest that this variant may disrupt the consensus splice site. This variant has not been reported in the literature in individuals affected with PROM1-related conditions. This variant is present in population databases (rs763281224, gnomAD 0.01%). This sequence change affects codon 602 of the PROM1 mRNA. It is a 'silent' change, meaning that it does not change the encoded amino acid sequence of the PROM1 protein.

NM_006017.3(PROM1):c.1806G>A (p.Lys602=)

Gene: PROM1 (prominin 1; minus strand). Cytogenetic location: 4p15.32.
Variant type: single nucleotide variant.
Coding change: c.1806G>A on transcript NM_006017.3 (MANE Select); coding-DNA position 1806, G replaced by A.
Protein change: p.Lys602=; no amino-acid change (lysine 602 retained).
Molecular consequence: synonymous variant.
Genome position (GRCh38, 1-based): chr4:15,992,353, C>T on the plus strand (G>A on the coding strand, the complement: PROM1 is on the minus strand). VCF-style: chr4-15992353-C-T. GRCh37 (hg19) VCF-style: chr4-15993976-C-T.
Other names: c.1779G>A, p.Lys593= (NM_001145847.2, NM_001145848.2, NM_001145851.2 and 4 more transcripts); c.1806G>A, p.Lys602= (NM_001145849.2, NM_001145850.2).
Identifiers: ClinVar variation 2916240 (VCV002916240.3), dbSNP rs763281224, ClinGen allele CA2866625.
Genomic context (GRCh38, chr4:15,992,353, plus strand): 5'-AGCAAAATCCTGAAGGTTTTTTCTTCCTGCTGCACCCAACAGAAAGATATTAAGATTTAC[C>T]TTCAGACTTTCCAATTCACTGCTTATGCTTCCAGTATGCTGCGAAAAAAGGAAGTTACAA-3'
Protein context (NP_006008.1, residues 592-612): GSISSELESL[Lys602=]VNLNIFLLGA